The following is an entry in ClinVar:

ClinVar aggregate classification (germline): Pathogenic. Review status: criteria provided, multiple submitters, no conflicts (2 of 4 stars). 2 submissions from 2 submitters: Pathogenic (2). Last evaluated 2026-06-08.

Conditions:
Polycystic kidney disease, adult type (PKD1). Also called: Polycystic Kidney, Autosomal Dominant; POLYCYSTIC KIDNEY DISEASE, ADULT, TYPE I; Polycystic Kidney Disease 1, Autosomal Dominant; Polycystic kidney disease 1; Polycystic kidney disease 1, severe; POLYCYSTIC KIDNEY DISEASE 1 WITH OR WITHOUT POLYCYSTIC LIVER DISEASE. Identifiers: MedGen C3149841, MONDO:0008263, OMIM 173900.
PKD1-related disorder. Also called: PKD1-related condition.

Submissions (2):

Women's Health and Genetics/Laboratory Corporation of America, LabCorp
Classification: Pathogenic for Polycystic kidney disease, adult type. Last evaluated: 2026-06-08. Review status: criteria provided, single submitter. Criteria: LabCorp Variant Classification Summary - May 2015. Collection method: clinical testing. Allele origin: germline.
Comment: Variant summary: PKD1 c.12253delC (p.Leu4085CysfsX113) results in a premature termination codon in the last exon and is predicted to cause a truncation of the encoded protein; however, nonsense mediated decay is not expected to occur. The variant was absent in 243658 control chromosomes (gnomAD). c.12253delC has been observed in at least one family with autosomal dominant Polycystic kidney disease (example: Kurashige_2015). Several downstream variants have been classified as Pathogenic/Likely Pathogenic by our laboratory, providing evidence that the region altered by the variant is critical to protein function. The following publication has been ascertained in the context of this evaluation (PMID: 24611717). No submitters have cited clinical-significance assessments for this variant to ClinVar. Based on the evidence outlined above, the variant was classified as pathogenic.

Blueprint Genetics
Classification: Pathogenic for PKD1-related disorders. Last evaluated: 2024-05-29. Review status: criteria provided, single submitter. Criteria: ACMG Guidelines, 2015. Collection method: clinical testing. Allele origin: germline. Affected: yes. Observed: 1 variant allele.

Literature cited by the submitters: PubMed 24611717 (cited by Women's Health and Genetics/Laboratory Corporation of America, LabCorp).

NM_001009944.3(PKD1):c.12253del (p.Leu4085fs)

Gene: PKD1 (polycystin 1, transient receptor potential channel interacting; minus strand). Cytogenetic location: 16p13.3.
Variant type: Deletion.
Coding change: c.12253del on transcript NM_001009944.3 (MANE Select); coding-DNA position 12253, one base deleted (C; older notation c.12253delC).
Protein change: p.Leu4085fs; shifts the reading frame from leucine 4085.
Molecular consequence: frameshift variant.
Genome position (GRCh38, 1-based): chr16:2,090,476, G deleted on the plus strand (C on the coding strand, the reverse complement: PKD1 is on the minus strand); the first of 4 consecutive G bases (chr16:2,090,476-2,090,479); deleting any one gives the same sequence. VCF-style (leftmost placement, unchanged base first): chr16-2090475-AG-A. GRCh37 (hg19) VCF-style: chr16-2140476-AG-A.
Other names: c.12250del, p.Leu4084fs (NM_000296.4); c.12253delC (NM_001009944.3); short protein forms L4084fs, L4085fs.
Identifiers: ClinVar variation 4887448 (VCV004887448.2).
Genomic context (GRCh38, chr16:2,090,475, plus strand): 5'-ATAACAGCCCCCAGCCGTAGGGCGCCCCACAGCCGCAGTGCCCAGAGCCCCACACACAGC[AG>A]GGGTGACAGGTGCCAGGACTCGGCAGGACACAGGGTAGAGAGCCCAGTCCCAGGGCACAG-3'